The following is an entry in ClinVar:

ClinVar aggregate classification (germline): Likely pathogenic (1 of 4 stars; one submission).

Conditions:
Cystic fibrosis (CF). Also called: MUCOVISCIDOSIS. Identifiers: Orphanet 586, MedGen C0010674, MONDO:0009061, OMIM 219700. Disease mechanism: loss of function.

Submission:

Myriad Genetics, Inc.
Classification: Likely pathogenic for Cystic fibrosis. Last evaluated: 2021-12-28. Review status: criteria provided, single submitter. Criteria: Myriad Women's Health Autosomal Recessive and X-Linked Classification Criteria (2021). Collection method: clinical testing. Allele origin: unknown.
Comment: NM_000492.3(CFTR):c.3836T>A(L1279*) is expected to be pathogenic in the context of cystic fibrosis. This variant is predicted to lead to an abnormal or absent protein product due to the creation of a premature termination codon in CFTR, a gene where loss-of-function variants are known to be pathogenic. Please note: this variant was assessed in the context of healthy population screening.

NM_000492.4(CFTR):c.3836T>A (p.Leu1279Ter)

Genes: CFTR (CF transmembrane conductance regulator; plus strand), CFTR-AS2 (CFTR antisense RNA 2; minus strand). Cytogenetic location: 7q31.2.
Variant type: single nucleotide variant.
Coding change: c.3836T>A on transcript NM_000492.4 (MANE Select); coding-DNA position 3836, T replaced by A.
Protein change: p.Leu1279Ter; replaces leucine 1279 with a stop codon.
Molecular consequence: nonsense.
Genome position (GRCh38, 1-based): chr7:117,642,556, T>A. VCF-style: chr7-117642556-T-A. GRCh37 (hg19) VCF-style: chr7-117282610-T-A.
Other names: short protein forms L1279*.
Identifiers: ClinVar variation 1726616 (VCV001726616.2), dbSNP rs1286786026, ClinGen allele CA368975375.